The following is an entry in ClinVar:

NM_000760.4(CSF3R):c.2431T>G (p.Cys811Gly)

Gene: CSF3R (colony stimulating factor 3 receptor; minus strand). Cytogenetic location: 1p34.3.
Variant type: single nucleotide variant.
Coding change: c.2431T>G on transcript NM_000760.4 (MANE Select); coding-DNA position 2431, T replaced by G.
Protein change: p.Cys811Gly; replaces cysteine 811 with glycine.
Molecular consequence: missense variant. On other transcripts: intron variant (1).
Genome position (GRCh38, 1-based): chr1:36,466,437, A>C on the plus strand (T>G on the coding strand, the complement: CSF3R is on the minus strand). VCF-style: chr1-36466437-A-C. GRCh37 (hg19) VCF-style: chr1-36932038-A-C.
Other names: c.2512T>G, p.Cys838Gly (NM_156039.3); c.2247+184T>G (NM_172313.3); short protein forms C838G, C811G.
Identifiers: ClinVar variation 3641591 (VCV003641591.2).
Genomic context (GRCh38, chr1:36,466,437, plus strand): 5'-CCATCCCATGGACCCGGATCCCCTGCAGGAGGGGGAAGTTGAGCAGTGGCCCAAAGACAC[A>C]GTCGTCCTCCTGGCTTGGGGCTGGGGTTACCAGGGTCCCCAAGGGGCTGGCCTGGAACCA-3'
Protein context (NP_000751.1, residues 801-821): VTPAPSQEDD[Cys811Gly]VFGPLLNFPL

ClinVar aggregate classification (germline): Uncertain significance (1 of 4 stars; one submission).

Conditions:
Autosomal recessive severe congenital neutropenia due to CSF3R deficiency. Also called: Neutropenia, severe congenital, 7, autosomal recessive. Identifiers: Orphanet 420702, MedGen C4310764, MONDO:0014865, OMIM 617014.

gnomAD v4.1: 1 of 1,613,600 alleles (0.000062%); highest among the groups gnomAD compares: East Asian, 0.0022%; no homozygotes.

Submission:

Labcorp Genetics (formerly Invitae), Labcorp
Classification: Uncertain significance for Autosomal recessive severe congenital neutropenia due to CSF3R deficiency. Last evaluated: 2024-02-17. Review status: criteria provided, single submitter. Criteria: Invitae Variant Classification Sherloc (09022015). Collection method: clinical testing. Allele origin: germline.
Comment: This sequence change replaces cysteine, which is neutral and slightly polar, with glycine, which is neutral and non-polar, at codon 811 of the CSF3R protein (p.Cys811Gly). This variant is not present in population databases (gnomAD no frequency). This variant has not been reported in the literature in individuals affected with CSF3R-related conditions. An algorithm developed to predict the effect of missense changes on protein structure and function (PolyPhen-2) suggests that this variant is likely to be tolerated. In summary, the available evidence is currently insufficient to determine the role of this variant in disease. Therefore, it has been classified as a Variant of Uncertain Significance.